The following is an entry in ClinVar:

NM_014244.5(ADAMTS2):c.79_80insGCC (p.Pro26_Leu27insArg)

Gene: ADAMTS2 (ADAM metallopeptidase with thrombospondin type 1 motif 2; minus strand). Cytogenetic location: 5q35.3.
Variant type: Insertion.
Coding change: c.79_80insGCC on transcript NM_014244.5 (MANE Select); coding-DNA positions 79 to 80, GCC inserted.
Protein change: p.Pro26_Leu27insArg.
Molecular consequence: inframe insertion.
Genome position: GRCh38 VCF-style: chr5-179345249-A-AGGC. GRCh37 (hg19) VCF-style: chr5-178772250-A-AGGC.
Other names: c.79_80insGCC, p.Pro26_Leu27insArg (NM_021599.4).
Identifiers: ClinVar variation 626055 (VCV000626055.2), dbSNP rs1561778823, ClinGen allele CA913189798.

ClinVar aggregate classification (germline): Uncertain significance (1 of 4 stars; one submission).

Conditions:
Ehlers-Danlos syndrome, dermatosparaxis type. Also called: EDS VIIC; Dermatosparaxis; Ehlers-Danlos syndrome, type VII, autosomal recessive. Identifiers: Orphanet 1901, MedGen C2700425, MONDO:0009161, OMIM 225410.

Submission:

Center for Genomics, Ann and Robert H. Lurie Children's Hospital of Chicago
Classification: Uncertain significance for Ehlers-Danlos syndrome, dermatosparaxis type. Last evaluated: 2021-03-30. Review status: criteria provided, single submitter. Criteria: ACMG Guidelines, 2015. Collection method: clinical testing. Allele origin: germline.
Comment: ADAMTS2 NM_014244.4 exon 1 p.Pro26dup (c.77_79dup): This variant has not been reported in the literature but is present in 0.3% (24/8092) of African alleles in the Genome Aggregation Database. Evolutionary conservation and computational predictive tools for this variant are limited or unavailable. This variant represents a duplication of 3 nucleotides, which results in an in-frame insertion of 1 amino acid (Proline) at position 26 and is not predicted to alter the reading frame. However, the effect of this variant on the protein is unclear. In summary, data on this variant is insufficient for disease classification. Therefore, the clinical significance of this variant is uncertain.